The following is an entry in ClinVar:

NM_015102.5(NPHP4):c.1850C>T (p.Ala617Val)

Gene: NPHP4 (nephrocystin 4; minus strand). Cytogenetic location: 1p36.31.
Variant type: single nucleotide variant.
Coding change: c.1850C>T on transcript NM_015102.5 (MANE Select); coding-DNA position 1850, C replaced by T.
Protein change: p.Ala617Val; replaces alanine 617 with valine.
Molecular consequence: missense variant. On other transcripts: non-coding transcript variant (1).
Genome position (GRCh38, 1-based): chr1:5,905,397, G>A on the plus strand (C>T on the coding strand, the complement: NPHP4 is on the minus strand). VCF-style: chr1-5905397-G-A. GRCh37 (hg19) VCF-style: chr1-5965457-G-A.
Other names: p.Ala617Val; c.311C>T, p.Ala104Val (NM_001291593.2); c.314C>T, p.Ala105Val (NM_001291594.2); short protein forms A617V, A105V, A104V.
Identifiers: ClinVar variation 501365 (VCV000501365.23), dbSNP rs190522911, ClinGen allele CA554348.

ClinVar aggregate classification (germline): Conflicting classifications of pathogenicity. Review status: criteria provided, conflicting classifications (1 of 4 stars). 11 submissions from 10 submitters: Uncertain significance (9); Likely benign (1). 1 of the submissions does not count toward it. Last evaluated 2026-08-11.

Conditions:
NPHP4-related disorder. Also called: NPHP4-related disorders; NPHP4-related condition. Identifiers: MedGen CN239384.
Inborn genetic diseases. Identifiers: MedGen C0950123, MeSH D030342.
Nephronophthisis. Also called: Juvenile Nephronophthisis. Identifiers: Orphanet 655, MedGen C0687120, MONDO:0019005, HP:0000090.
Senior-Loken syndrome 4 (SLSN4). Identifiers: Orphanet 3156, MedGen C1846979, MONDO:0011756, OMIM 606996.
Nephronophthisis 4 (NPHP4). Also called: NEPHRONOPHTHISIS 4, JUVENILE. Identifiers: Orphanet 655, MedGen C1847013, MONDO:0011752, OMIM 606966.

Allele frequency attached by ClinVar (database versions not stated): ExAC 0.00007; ESP Exome Variant Server 0.00008; TOPMed 0.00037; gnomAD 0.00038 and 0.00041; 1000 Genomes Project 0.00040; 1000 Genomes Project 30x 0.00047.
gnomAD v4.1: 116 of 1,613,406 alleles (0.0072%); highest among the groups gnomAD compares: African/African-American, 0.14%; no homozygotes.

Submissions (11):

PreventionGenetics, part of Exact Sciences
Classification: Uncertain significance for NPHP4-related condition. Last evaluated: 2026-08-11. Review status: criteria provided, single submitter. Criteria: ACMG Guidelines, 2015. Collection method: clinical testing. Allele origin: germline.
Comment: The NPHP4 c.1850C>T variant is predicted to result in the amino acid substitution p.Ala617Val. To our knowledge, this variant has not been reported in the literature. This variant is reported in 0.14% of alleles in individuals of African descent in gnomAD, which may be too frequent to be a primary cause of disease. Although we suspect that this variant may be benign, at this time, the clinical significance of this variant is uncertain due to the absence of conclusive functional and genetic evidence.

Mayo Clinic Laboratories, Mayo Clinic
Classification: Uncertain significance. Last evaluated: 2025-03-14. Review status: criteria provided, single submitter. Criteria: ACMG Guidelines, 2015. Collection method: clinical testing. Allele origin: germline. Observed: 1 variant allele.
Comment: BP4_moderate

Ambry Genetics
Classification: Uncertain significance for Inborn genetic diseases. Last evaluated: 2024-12-23. Review status: criteria provided, single submitter. Criteria: Ambry Variant Classification Scheme 2023. Collection method: clinical testing. Allele origin: germline.

Blueprint Genetics
Classification: Likely benign. Last evaluated: 2024-06-20. Review status: criteria provided, single submitter. Criteria: ACMG Guidelines, 2015. Collection method: clinical testing. Allele origin: germline.

Fulgent Genetics
Classification: Uncertain significance for Nephronophthisis 4; Senior-Loken syndrome 4. Last evaluated: 2024-01-05. Review status: criteria provided, single submitter. Criteria: ACMG Guidelines, 2015. Collection method: clinical testing. Allele origin: germline.

Labcorp Genetics (formerly Invitae), Labcorp
Classification: Uncertain significance for Nephronophthisis. Last evaluated: 2024-01-02. Review status: criteria provided, single submitter. Criteria: Invitae Variant Classification Sherloc (09022015). Collection method: clinical testing. Allele origin: germline.
Comment: This sequence change replaces alanine, which is neutral and non-polar, with valine, which is neutral and non-polar, at codon 617 of the NPHP4 protein (p.Ala617Val). This variant is present in population databases (rs190522911, gnomAD 0.1%). This variant has not been reported in the literature in individuals affected with NPHP4-related conditions. ClinVar contains an entry for this variant (Variation ID: 501365). Advanced modeling of protein sequence and biophysical properties (such as structural, functional, and spatial information, amino acid conservation, physicochemical variation, residue mobility, and thermodynamic stability) performed at Invitae indicates that this missense variant is not expected to disrupt NPHP4 protein function with a negative predictive value of 80%. In summary, the available evidence is currently insufficient to determine the role of this variant in disease. Therefore, it has been classified as a Variant of Uncertain Significance.

Genetic Services Laboratory, University of Chicago
Classification: Uncertain significance. Last evaluated: 2021-06-28. Review status: criteria provided, single submitter. Criteria: ACMG Guidelines, 2015. Collection method: clinical testing. Allele origin: germline. Affected: no.
Comment: DNA sequence analysis of the NPHP4 gene demonstrated a sequence change, c.1850C>T, in exon 15 that results in an amino acid change, p.Ala617Val. This sequence change has been described in the gnomAD database with a frequency of 0.14% in the African/African American subpopulation (dbSNP rs190522911). The p.Ala617Val change affects a moderately conserved amino acid residue located in a domain of the NPHP4 protein that is not known to be functional. The p.Ala617Val substitution appears to be benign using several in-silico pathogenicity prediction tools (SIFT, PolyPhen2, Align GVGD, REVEL). This sequence change does not appear to have been previously described in individuals with NPHP4-related disorders. Due to insufficient evidences and the lack of functional studies, the clinical significance of the p.Ala617Val change remains unknown at this time.

Eurofins Ntd Llc (ga)
Classification: Uncertain significance. Last evaluated: 2018-04-12. Review status: criteria provided, single submitter. Criteria: EGL ClinVar v180209 classification definitions. Collection method: clinical testing. Allele origin: germline. Observed: 6 variant alleles, 6 heterozygotes.

Illumina Laboratory Services, Illumina
Classification: Uncertain significance for Nephronophthisis 4. Last evaluated: 2018-01-13. Review status: criteria provided, single submitter. Criteria: ICSL Variant Classification Criteria 13 December 2019. Collection method: clinical testing. Allele origin: germline.

Illumina Laboratory Services, Illumina
Classification: Uncertain significance for Senior-Loken syndrome 4. Last evaluated: 2018-01-13. Review status: criteria provided, single submitter. Criteria: ICSL Variant Classification Criteria 13 December 2019. Collection method: clinical testing. Allele origin: germline.

Department of Pathology and Laboratory Medicine, Sinai Health System
Classification: Uncertain significance. Review status: no assertion criteria provided. Collection method: clinical testing. Allele origin: unknown. Affected: yes. Study: The Canadian Open Genetics Repository (COGR). Not counted in ClinVar's aggregate classification.
Comment: The NPHP4Â¬â€ p.A617V variant was not identified in the literature but was identified in dbSNP (ID: rs190522911) and ClinVar (classified as uncertain significance by EGL Genetic Diagnostics, Illumina and Invitae). The variant was identified in control databases in 37 of 280660 chromosomes at a frequency of 0.0001318, and was observed at the highest frequency in the African population in 33 of 24200 chromosomes (freq: 0.001364) (Genome Aggregation Database March 6, 2019, v2.1.1). The p.A617 residue is not conserved in mammals and computational analyses (MUT Assesor, PolyPhen-2, SIFT, MutationTaster, Revel, FATHMM, MetaLR, DANN) do not suggest a high likelihood of impact to the protein; this information is not very predictive of pathogenicity. The variant occurs outside of the splicing consensus sequence and in silico or computational prediction software programs (Splice AI exome) do not predict a difference in splicing. In summary, based on the above information the clinical significance of this variant cannot be determined with certainty at this time. This variant is classified as a variant of uncertain significance.